The following is an entry in ClinVar:

NM_003128.3(SPTBN1):c.2780A>G (p.Lys927Arg)

Genes: SPTBN1 (spectrin beta, non-erythrocytic 1; plus strand), LOC129933746 (ATAC-STARR-seq lymphoblastoid active region 15766; plus strand). Cytogenetic location: 2p16.2.
Variant type: single nucleotide variant.
Coding change: c.2780A>G on transcript NM_003128.3 (MANE Select); coding-DNA position 2780, A replaced by G.
Protein change: p.Lys927Arg; replaces lysine 927 with arginine.
Molecular consequence: missense variant.
Genome position (GRCh38, 1-based): chr2:54,630,002, A>G. VCF-style: chr2-54630002-A-G. GRCh37 (hg19) VCF-style: chr2-54857139-A-G.
Other names: c.2741A>G, p.Lys914Arg (NM_178313.3); short protein forms K914R, K927R.
Identifiers: ClinVar variation 1507791 (VCV001507791.6), dbSNP rs2103930448, ClinGen allele CA346886389.

ClinVar aggregate classification (germline): Uncertain significance (1 of 4 stars; one submission).

Submission:

Labcorp Genetics (formerly Invitae), Labcorp
Classification: Uncertain significance. Last evaluated: 2021-10-01. Review status: criteria provided, single submitter. Criteria: Invitae Variant Classification Sherloc (09022015). Collection method: clinical testing. Allele origin: germline.
Comment: In summary, the available evidence is currently insufficient to determine the role of this variant in disease. Therefore, it has been classified as a Variant of Uncertain Significance. Algorithms developed to predict the effect of missense changes on protein structure and function output the following: SIFT: "Tolerated"; PolyPhen-2: "Benign"; Align-GVGD: "Class C0". The arginine amino acid residue is found in multiple mammalian species, which suggests that this missense change does not adversely affect protein function. This variant has not been reported in the literature in individuals affected with SPTBN1-related conditions. This variant is not present in population databases (ExAC no frequency). This sequence change replaces lysine with arginine at codon 927 of the SPTBN1 protein (p.Lys927Arg). The lysine residue is moderately conserved and there is a small physicochemical difference between lysine and arginine.